The following is an entry in ClinVar:

ClinVar aggregate classification (germline): Uncertain significance (1 of 4 stars; one submission).

Allele frequency attached by ClinVar (database versions not stated): gnomAD 0.00001; gnomAD exomes 0.00001; ExAC 0.00002; TOPMed 0.00002.
gnomAD v4.1: 6 of 1,611,638 alleles (0.00037%); highest among the groups gnomAD compares: Admixed American, 0.005%; no homozygotes.

Submission:

Labcorp Genetics (formerly Invitae), Labcorp
Classification: Uncertain significance. Last evaluated: 2021-09-01. Review status: criteria provided, single submitter. Criteria: Invitae Variant Classification Sherloc (09022015). Collection method: clinical testing. Allele origin: germline.
Comment: This sequence change replaces glycine with glutamic acid at codon 562 of the GNPAT protein (p.Gly562Glu). The glycine residue is highly conserved and there is a moderate physicochemical difference between glycine and glutamic acid. This variant is present in population databases (rs756735677, ExAC 0.02%). This variant has not been reported in the literature in individuals affected with GNPAT-related conditions. Algorithms developed to predict the effect of missense changes on protein structure and function are either unavailable or do not agree on the potential impact of this missense change (SIFT: "Tolerated"; PolyPhen-2: "Probably Damaging"; Align-GVGD: "Class C0"). In summary, the available evidence is currently insufficient to determine the role of this variant in disease. Therefore, it has been classified as a Variant of Uncertain Significance.

NM_014236.4(GNPAT):c.1685G>A (p.Gly562Glu)

Gene: GNPAT (glyceronephosphate O-acyltransferase; plus strand). Cytogenetic location: 1q42.2.
Variant type: single nucleotide variant.
Coding change: c.1685G>A on transcript NM_014236.4 (MANE Select); coding-DNA position 1685, G replaced by A.
Protein change: p.Gly562Glu; replaces glycine 562 with glutamic acid.
Molecular consequence: missense variant.
Genome position (GRCh38, 1-based): chr1:231,274,004, G>A. VCF-style: chr1-231274004-G-A. GRCh37 (hg19) VCF-style: chr1-231409750-G-A.
Other names: c.1502G>A, p.Gly501Glu (NM_001316350.2); short protein forms G501E, G562E.
Identifiers: ClinVar variation 1010464 (VCV001010464.2), dbSNP rs756735677, ClinGen allele CA1452089.